The following is an entry in ClinVar:

NM_003072.5(SMARCA4):c.4873G>T (p.Val1625Phe)

Gene: SMARCA4 (SWI/SNF related BAF chromatin remodeling complex subunit ATPase 4; plus strand). Cytogenetic location: 19p13.2.
Variant type: single nucleotide variant.
Coding change: c.4873G>T on transcript NM_003072.5 (MANE Select); coding-DNA position 4873, G replaced by T.
Protein change: p.Val1625Phe; replaces valine 1625 with phenylalanine.
Molecular consequence: missense variant. On other transcripts: non-coding transcript variant (1).
Genome position (GRCh38, 1-based): chr19:11,060,149, G>T. VCF-style: chr19-11060149-G-T. GRCh37 (hg19) VCF-style: chr19-11170825-G-T.
Other names: c.4873G>T, p.Val1625Phe (NM_001128844.3); c.4783G>T, p.Val1595Phe (NM_001128845.2); c.4780G>T, p.Val1594Phe (NM_001128846.2); c.4774G>T, p.Val1592Phe (NM_001128847.4, NM_001374457.1); c.4771G>T, p.Val1591Phe (NM_001128848.2); c.4969G>T, p.Val1657Phe (NM_001128849.3, NM_001387283.1); short protein forms V1591F, V1594F, V1595F, V1592F, V1625F, V1657F.
Identifiers: ClinVar variation 652428 (VCV000652428.9), dbSNP rs1600649293, ClinGen allele CA404080834.
Genomic context (GRCh38, chr19:11,060,149, plus strand): 5'-GCACAGGACCGGCTGAAGGGCGGCCGGCGGCGGCCGAGCCGAGGGTCCCGAGCCAAGCCG[G>T]TCGTGAGTGACGATGACAGTGAGGAGGAACAAGAGGAGGTGAGGCCGGGCCCCCGAGCAG-3'
Protein context (NP_003063.2, residues 1615-1635): RPSRGSRAKP[Val1625Phe]VSDDDSEEEQ

ClinVar aggregate classification (germline): Uncertain significance. Review status: criteria provided, multiple submitters, no conflicts (2 of 4 stars). 2 submissions from 2 submitters: Uncertain significance (2). Last evaluated 2024-07-31.

Conditions:
Hereditary cancer-predisposing syndrome. Also called: Neoplastic Syndromes, Hereditary; Tumor predisposition; Hereditary Cancer Syndrome; Hereditary neoplastic syndrome. Identifiers: Orphanet 140162, MedGen C0027672, MeSH D009386, MONDO:0015356.
Rhabdoid tumor predisposition syndrome 2 (RTPS2). Identifiers: Orphanet 231108, Orphanet 69077, MedGen C2750074, MONDO:0013224, OMIM 613325.

Allele frequency attached by ClinVar (database versions not stated): gnomAD exomes below 0.00001.
gnomAD v4.1: 1 of 1,551,254 alleles (0.000064%); highest among the groups gnomAD compares: Non-Finnish European, 0.000087%; no homozygotes.

Submissions (2):

Ambry Genetics
Classification: Uncertain significance for Hereditary cancer-predisposing syndrome. Last evaluated: 2024-07-31. Review status: criteria provided, single submitter. Criteria: Ambry Variant Classification Scheme 2023. Collection method: clinical testing. Allele origin: germline.
Comment: The p.V1657F variant (also known as c.4969G>T), located in coding exon 34 of the SMARCA4 gene, results from a G to T substitution at nucleotide position 4969. The valine at codon 1657 is replaced by phenylalanine, an amino acid with highly similar properties. This amino acid position is conserved. In addition, the in silico prediction for this alteration is inconclusive. Based on the available evidence, the clinical significance of this variant remains unclear.

Labcorp Genetics (formerly Invitae), Labcorp
Classification: Uncertain significance for Rhabdoid tumor predisposition syndrome 2. Last evaluated: 2018-11-06. Review status: criteria provided, single submitter. Criteria: Invitae Variant Classification Sherloc (09022015). Collection method: clinical testing. Allele origin: germline.
Comment: In summary, the available evidence is currently insufficient to determine the role of this variant in disease. Therefore, it has been classified as a Variant of Uncertain Significance. Algorithms developed to predict the effect of missense changes on protein structure and function (SIFT, PolyPhen-2, Align-GVGD) all suggest that this variant is likely to be disruptive, but these predictions have not been confirmed by published functional studies and their clinical significance is uncertain. This variant has not been reported in the literature in individuals with SMARCA4-related disease. This variant is not present in population databases (ExAC no frequency). This sequence change replaces valine with phenylalanine at codon 1657 of the SMARCA4 protein (p.Val1657Phe). The valine residue is highly conserved and there is a small physicochemical difference between valine and phenylalanine.